The following is an entry in ClinVar:

ClinVar aggregate classification (germline): Uncertain significance. Review status: criteria provided, multiple submitters, no conflicts (2 of 4 stars). 2 submissions from 2 submitters: Uncertain significance (2). Last evaluated 2024-10-21.

Allele frequency attached by ClinVar (database versions not stated): gnomAD 0.00011; TOPMed 0.00011; gnomAD exomes 0.00014 and 0.00015; ExAC 0.00015; 1000 Genomes Project 30x 0.00016; 1000 Genomes Project 0.00020; ESP Exome Variant Server 0.00023.
gnomAD v4.1: 243 of 1,614,180 alleles (0.015%); highest among the groups gnomAD compares: Non-Finnish European, 0.018%; no homozygotes.

Submissions (2):

Blueprint Genetics
Classification: Uncertain significance. Last evaluated: 2024-10-21. Review status: criteria provided, single submitter. Criteria: ACMG Guidelines, 2015. Collection method: clinical testing. Allele origin: germline.

Labcorp Genetics (formerly Invitae), Labcorp
Classification: Uncertain significance. Last evaluated: 2022-08-15. Review status: criteria provided, single submitter. Criteria: Invitae Variant Classification Sherloc (09022015). Collection method: clinical testing. Allele origin: germline.
Comment: This sequence change replaces leucine, which is neutral and non-polar, with phenylalanine, which is neutral and non-polar, at codon 424 of the IL6R protein (p.Leu424Phe). This variant is present in population databases (rs143810642, gnomAD 0.02%). This variant has not been reported in the literature in individuals affected with IL6R-related conditions. ClinVar contains an entry for this variant (Variation ID: 1475240). Algorithms developed to predict the effect of missense changes on protein structure and function are either unavailable or do not agree on the potential impact of this missense change (SIFT: "Deleterious"; PolyPhen-2: "Probably Damaging"; Align-GVGD: "Class C0"). In summary, the available evidence is currently insufficient to determine the role of this variant in disease. Therefore, it has been classified as a Variant of Uncertain Significance.

NM_000565.4(IL6R):c.1270C>T (p.Leu424Phe)

Gene: IL6R (interleukin 6 receptor; plus strand). Cytogenetic location: 1q21.3.
Variant type: single nucleotide variant.
Coding change: c.1270C>T on transcript NM_000565.4 (MANE Select); coding-DNA position 1270, C replaced by T.
Protein change: p.Leu424Phe; replaces leucine 424 with phenylalanine.
Molecular consequence: missense variant. On other transcripts: 3 prime UTR variant (2).
Genome position (GRCh38, 1-based): chr1:154,465,243, C>T. VCF-style: chr1-154465243-C-T. GRCh37 (hg19) VCF-style: chr1-154437719-C-T.
Other names: c.1369C>T, p.Leu457Phe (NM_001382769.1); c.1363C>T, p.Leu455Phe (NM_001382770.1); c.1318C>T, p.Leu440Phe (NM_001382771.1); c.1264C>T, p.Leu422Phe (NM_001382772.1); c.*78C>T (NM_001382773.1, NM_181359.3); c.910C>T, p.Leu304Phe (NM_001382774.1); short protein forms L304F, L440F, L422F, L424F, L457F, L455F.
Identifiers: ClinVar variation 1475240 (VCV001475240.4), dbSNP rs143810642, ClinGen allele CA1129336.